The following is an entry in ClinVar:

ClinVar aggregate classification (germline): Uncertain significance. Review status: criteria provided, multiple submitters, no conflicts (2 of 4 stars). 3 submissions from 3 submitters: Uncertain significance (3). Last evaluated 2025-08-08.

Conditions:
Cardiomyopathy (CMYO). Also called: Cardiomyopathies. Identifiers: Orphanet 167848, MedGen C0878544, MONDO:0004994, HP:0001638. Inheritance: Various modes of inheritance.
Catecholaminergic polymorphic ventricular tachycardia 1. Also called: VENTRICULAR TACHYCARDIA, CATECHOLAMINERGIC POLYMORPHIC, 1, WITH OR WITHOUT ATRIAL DYSFUNCTION AND/OR DILATED CARDIOMYOPATHY; VENTRICULAR TACHYCARDIA, STRESS-INDUCED POLYMORPHIC 1; RYR2-Related Catecholaminergic Polymorphic Ventricular Tachycardia. Identifiers: Orphanet 3286, MedGen C1631597, MONDO:0011484, OMIM 604772.
Catecholaminergic polymorphic ventricular tachycardia (CVPT). Also called: Catecholamine-induced polymorphic ventricular tachycardia. Identifiers: Orphanet 3286, MedGen C5574922, MONDO:0017990.

Allele frequency attached by ClinVar (database versions not stated): TOPMed 0.00003.

Submissions (3):

Color Diagnostics, LLC DBA Color Health
Classification: Uncertain significance for Cardiomyopathy. Last evaluated: 2025-08-08. Review status: criteria provided, single submitter. Criteria: ACMG Guidelines, 2015. Collection method: clinical testing. Allele origin: germline.
Comment: This missense variant replaces threonine with isoleucine at codon 4467 of the RYR2 protein. Computational prediction suggests that this variant may not impact protein structure and function. To our knowledge, functional studies have not been reported for this variant. This variant has not been reported in individuals affected with RYR2-related disorders in the literature. This variant has not been identified in the general population by the Genome Aggregation Database (gnomAD). The available evidence is insufficient to determine the role of this variant in disease conclusively. Therefore, this variant is classified as a Variant of Uncertain Significance.

All of Us Research Program, National Institutes of Health
Classification: Uncertain significance for Catecholaminergic polymorphic ventricular tachycardia. Last evaluated: 2023-09-17. Review status: criteria provided, single submitter. Criteria: ACMG Guidelines, 2015. Collection method: clinical testing. Allele origin: germline. Inheritance: Autosomal dominant inheritance. Observed: 2 variant alleles, 2 heterozygotes.
Comment: This missense variant replaces threonine with isoleucine at codon 4467 of the RYR2 protein. Computational prediction tool suggests that this variant may not impact protein structure and function (internally defined REVEL score threshold <=0.5, PMID: 27666373). Splice site prediction tools suggest that this variant may not impact RNA splicing. To our knowledge, functional studies have not been performed for this variant. This variant has not been reported in individuals affected with cardiovascular disorders in the literature. This variant has not been identified in the general population by the Genome Aggregation Database (gnomAD). The available evidence is insufficient to determine the role of this variant in disease conclusively. Therefore, this variant is classified as a Variant of Uncertain Significance.

This study involves interpretation of variants in research participants for the purpose of population health screening. Participant phenotype was not available at the time of variant classification. Additional details can be found in publication PMID: 35346344, PMCID: PMC8962531

Labcorp Genetics (formerly Invitae), Labcorp
Classification: Uncertain significance for Catecholaminergic polymorphic ventricular tachycardia 1. Last evaluated: 2022-02-27. Review status: criteria provided, single submitter. Criteria: Invitae Variant Classification Sherloc (09022015). Collection method: clinical testing. Allele origin: germline.
Comment: In summary, the available evidence is currently insufficient to determine the role of this variant in disease. Therefore, it has been classified as a Variant of Uncertain Significance. This sequence change replaces threonine, which is neutral and polar, with isoleucine, which is neutral and non-polar, at codon 4467 of the RYR2 protein (p.Thr4467Ile). This variant is not present in population databases (gnomAD no frequency). This variant has not been reported in the literature in individuals affected with RYR2-related conditions. ClinVar contains an entry for this variant (Variation ID: 861184). Advanced modeling of protein sequence and biophysical properties (such as structural, functional, and spatial information, amino acid conservation, physicochemical variation, residue mobility, and thermodynamic stability) performed at Invitae indicates that this missense variant is not expected to disrupt RYR2 protein function.

NM_001035.3(RYR2):c.13400C>T (p.Thr4467Ile)

Gene: RYR2 (ryanodine receptor 2; plus strand). Cytogenetic location: 1q43.
Variant type: single nucleotide variant.
Coding change: c.13400C>T on transcript NM_001035.3 (MANE Select); coding-DNA position 13400, C replaced by T.
Protein change: p.Thr4467Ile; replaces threonine 4467 with isoleucine.
Molecular consequence: missense variant.
Genome position (GRCh38, 1-based): chr1:237,788,059, C>T. VCF-style: chr1-237788059-C-T. GRCh37 (hg19) VCF-style: chr1-237951359-C-T.
Other names: short protein forms T4467I.
Identifiers: ClinVar variation 861184 (VCV000861184.16), dbSNP rs933184477, ClinGen allele CA39830327.